The following is an entry in ClinVar:

NM_007294.4(BRCA1):c.5188A>G (p.Asn1730Asp)

Gene: BRCA1 (BRCA1 DNA repair associated; minus strand). Cytogenetic location: 17q21.31.
Variant type: single nucleotide variant.
Coding change: c.5188A>G on transcript NM_007294.4 (MANE Select); coding-DNA position 5188, A replaced by G.
Protein change: p.Asn1730Asp; replaces asparagine 1730 with aspartic acid.
Molecular consequence: missense variant. On other transcripts: non-coding transcript variant (1).
Genome position (GRCh38, 1-based): chr17:43,063,338, T>C on the plus strand (A>G on the coding strand, the complement: BRCA1 is on the minus strand). VCF-style: chr17-43063338-T-C. GRCh37 (hg19) VCF-style: chr17-41215355-T-C.
Other names: c.4975A>G, p.Asn1659Asp (NM_001407571.1, NM_001407900.1, NM_001407902.1 and 12 more transcripts); c.5254A>G, p.Asn1752Asp (NM_001407581.1, NM_001407582.1); c.5251A>G, p.Asn1751Asp (NM_001407583.1, NM_001407585.1, NM_001407587.1 and 1 more transcripts); c.5185A>G, p.Asn1729Asp (NM_001407610.1, NM_001407611.1, NM_001407612.1 and 17 more transcripts); c.5182A>G, p.Asn1728Asp (NM_001407629.1, NM_001407630.1, NM_001407631.1 and 14 more transcripts); c.5128A>G, p.Asn1710Asp (NM_001407649.1); c.5110A>G, p.Asn1704Asp (NM_001407652.1, NM_001407653.1, NM_001407654.1 and 1 more transcripts); c.5107A>G, p.Asn1703Asp (NM_001407656.1, NM_001407657.1, NM_001407658.1); and 72 more; short protein forms N1751D, N626D, N1683D, N1730D, N1602D, N1603D, N1619D, N1681D.
Identifiers: ClinVar variation 865095 (VCV000865095.3), dbSNP rs2051856271, ClinGen allele CA10591166.

Conditions:
Breast-ovarian cancer, familial, susceptibility to, 1 (BROVCA1). Also called: BRCA1 Hereditary Breast and Ovarian Cancer; OVARIAN CANCER, SUSCEPTIBILITY TO. Identifiers: Orphanet 145, MedGen C2676676, MONDO:0011450, OMIM 604370. Disease mechanism: loss of function.

Submission:

Brotman Baty Institute, University of Washington
No classification provided (evidence only). Condition: Breast-ovarian cancer, familial 1. Review status: no classification provided. Collection method: in vitro. Allele origin: not applicable. Functional consequence: functionally_normal.
ClinVar note: "not provided" was previously submitted as the classification for the variant. However, the classification appeared to be based only on an observation of functional data so it was converted to no classification on 2025-07-30.